The following is an entry in ClinVar:

NM_015158.5(KANK1):c.2420C>A (p.Ser807Tyr)

Gene: KANK1 (KN motif and ankyrin repeat domains 1; plus strand). Cytogenetic location: 9p24.3.
Variant type: single nucleotide variant.
Coding change: c.2420C>A on transcript NM_015158.5 (MANE Select); coding-DNA position 2420, C replaced by A.
Protein change: p.Ser807Tyr; replaces serine 807 with tyrosine.
Molecular consequence: missense variant. On other transcripts: non-coding transcript variant (1).
Genome position (GRCh38, 1-based): chr9:713,186, C>A. VCF-style: chr9-713186-C-A. GRCh37 (hg19) VCF-style: chr9-713186-C-A.
Other names: c.2420C>A, p.Ser807Tyr (NM_001256876.3, NM_001256877.3, NM_001354331.2 and 2 more transcripts); c.1946C>A, p.Ser649Tyr (NM_001354333.2, NM_001354335.2, NM_001354336.2 and 9 more transcripts); short protein forms S649Y, S807Y.
Identifiers: ClinVar variation 2059726 (VCV002059726.4), dbSNP rs775639566, ClinGen allele CA4960507.

ClinVar aggregate classification (germline): Uncertain significance (1 of 4 stars; one submission).

Allele frequency attached by ClinVar (database versions not stated): ExAC 0.00001; TOPMed 0.00005; gnomAD exomes 0.00003; gnomAD 0.00004.
gnomAD v4.1: 55 of 1,584,398 alleles (0.0035%); highest among the groups gnomAD compares: African/African-American, 0.012%; no homozygotes.

Submission:

Labcorp Genetics (formerly Invitae), Labcorp
Classification: Uncertain significance. Last evaluated: 2022-08-16. Review status: criteria provided, single submitter. Criteria: Invitae Variant Classification Sherloc (09022015). Collection method: clinical testing. Allele origin: germline.
Comment: In summary, the available evidence is currently insufficient to determine the role of this variant in disease. Therefore, it has been classified as a Variant of Uncertain Significance. Algorithms developed to predict the effect of missense changes on protein structure and function (SIFT, PolyPhen-2, Align-GVGD) all suggest that this variant is likely to be tolerated. This variant has not been reported in the literature in individuals affected with KANK1-related conditions. This variant is present in population databases (rs775639566, gnomAD 0.01%). This sequence change replaces serine, which is neutral and polar, with tyrosine, which is neutral and polar, at codon 807 of the KANK1 protein (p.Ser807Tyr).